The following is an entry in ClinVar:

NM_022124.6(CDH23):c.6421A>G (p.Arg2141Gly)

Gene: CDH23 (cadherin related 23; plus strand). Cytogenetic location: 10q22.1.
Variant type: single nucleotide variant.
Coding change: c.6421A>G on transcript NM_022124.6 (MANE Select); coding-DNA position 6421, A replaced by G.
Protein change: p.Arg2141Gly; replaces arginine 2141 with glycine.
Molecular consequence: missense variant.
Genome position (GRCh38, 1-based): chr10:71,793,349, A>G. VCF-style: chr10-71793349-A-G. GRCh37 (hg19) VCF-style: chr10-73553106-A-G.
Other names: short protein forms R2141G.
Identifiers: ClinVar variation 300451 (VCV000300451.17), dbSNP rs376414352, ClinGen allele CA5546074.
Genomic context (GRCh38, chr10:71,793,349, plus strand): 5'-GTCACCGGGGTCATCCGTGTTGGTAATGCCACCATCGACAGAGAGGAGCAGGAGTCCTAC[A>G]GGCTAACGGTGGTGGCCACCGACCGGGGCACCGTTCCTCTCTCGGGCACAGCCATTGTCA-3'
Protein context (NP_071407.4, residues 2131-2151): TIDREEQESY[Arg2141Gly]LTVVATDRGT

ClinVar aggregate classification (germline): Uncertain significance. Review status: criteria provided, multiple submitters, no conflicts (2 of 4 stars). 8 submissions from 7 submitters: Uncertain significance (7). 1 of the submissions does not count toward it. Last evaluated 2025-07-02.

Conditions:
Autosomal recessive nonsyndromic hearing loss 12. Also called: DEAFNESS, AUTOSOMAL RECESSIVE 12. Identifiers: Orphanet 90636, MedGen C1832394, MONDO:0011067, OMIM 601386.
Usher syndrome type 1 (USH1). Also called: RETINITIS PIGMENTOSA AND CONGENITAL DEAFNESS. Identifiers: Orphanet 231169, Orphanet 886, MedGen C1568247, MONDO:0010168, OMIM 276900.
Inborn genetic diseases. Identifiers: MedGen C0950123, MeSH D030342.
Usher syndrome type 1D (USH1D). Also called: USHER SYNDROME, TYPE ID. Identifiers: Orphanet 231169, Orphanet 886, MedGen C1832845, MONDO:0010984, OMIM 601067.

Allele frequency attached by ClinVar (database versions not stated): ESP Exome Variant Server 0.00008; gnomAD 0.00019 and 0.00021; ExAC 0.00022; TOPMed 0.00032.
gnomAD v4.1: 203 of 1,613,864 alleles (0.013%); highest among the groups gnomAD compares: Admixed American, 0.055%; 1 homozygote.

Submissions (8):

GeneDx
Classification: Uncertain significance. Last evaluated: 2025-07-02. Review status: criteria provided, single submitter. Criteria: GeneDx Variant Classification Process June 2021. Collection method: clinical testing. Allele origin: germline. Affected: yes.
Comment: In silico analysis suggests that this missense variant does not alter protein structure/function; Has not been previously published as pathogenic or benign to our knowledge

Labcorp Genetics (formerly Invitae), Labcorp
Classification: Uncertain significance. Last evaluated: 2024-10-25. Review status: criteria provided, single submitter. Criteria: Invitae Variant Classification Sherloc (09022015). Collection method: clinical testing. Allele origin: germline.
Comment: This sequence change replaces arginine, which is basic and polar, with glycine, which is neutral and non-polar, at codon 2141 of the CDH23 protein (p.Arg2141Gly). This variant is present in population databases (rs376414352, gnomAD 0.04%). This variant has not been reported in the literature in individuals affected with CDH23-related conditions. ClinVar contains an entry for this variant (Variation ID: 300451). Invitae Evidence Modeling of protein sequence and biophysical properties (such as structural, functional, and spatial information, amino acid conservation, physicochemical variation, residue mobility, and thermodynamic stability) has been performed for this missense variant. However, the output from this modeling did not meet the statistical confidence thresholds required to predict the impact of this variant on CDH23 protein function. In summary, the available evidence is currently insufficient to determine the role of this variant in disease. Therefore, it has been classified as a Variant of Uncertain Significance.

Ambry Genetics
Classification: Uncertain significance for Inborn genetic diseases. Last evaluated: 2024-10-09. Review status: criteria provided, single submitter. Criteria: Ambry Variant Classification Scheme 2023. Collection method: clinical testing. Allele origin: germline.

Blueprint Genetics
Classification: Uncertain significance. Last evaluated: 2024-08-01. Review status: criteria provided, single submitter. Criteria: ACMG Guidelines, 2015. Collection method: clinical testing. Allele origin: germline.

Department of Pathology and Laboratory Medicine, Sinai Health System
Classification: Uncertain significance for Usher syndrome type 1. Last evaluated: 2022-01-17. Review status: criteria provided, single submitter. Criteria: ACMG Guidelines, 2015. Collection method: research. Allele origin: germline.

Illumina Laboratory Services, Illumina
Classification: Uncertain significance for Autosomal recessive nonsyndromic hearing loss 12. Last evaluated: 2018-01-13. Review status: criteria provided, single submitter. Criteria: ICSL Variant Classification Criteria 13 December 2019. Collection method: clinical testing. Allele origin: germline.

Illumina Laboratory Services, Illumina
Classification: Uncertain significance for Usher syndrome type 1D. Last evaluated: 2018-01-13. Review status: criteria provided, single submitter. Criteria: ICSL Variant Classification Criteria 13 December 2019. Collection method: clinical testing. Allele origin: germline.

Natera, Inc.
Classification: Uncertain significance for Usher syndrome type 1. Last evaluated: 2020-04-17. Review status: no assertion criteria provided. Collection method: clinical testing. Allele origin: germline. Not counted in ClinVar's aggregate classification.